The following is an entry in ClinVar:

ClinVar aggregate classification (germline): Benign (1 of 4 stars; one submission).

gnomAD v4.1: 36,511 of 1,584,902 alleles (2.3%); highest among the groups gnomAD compares: Middle Eastern, 5.7%; 562 homozygotes.

Submissions (7):

Women's Health and Genetics/Laboratory Corporation of America, LabCorp
Classification: Benign. Last evaluated: 2026-06-04. Review status: criteria provided, single submitter. Criteria: LabCorp Variant Classification Summary - May 2015. Collection method: clinical testing. Allele origin: germline.
Comment: Variant summary: PRKG2 c.1545-11T>C alters a nucleotide located at a position not widely known to affect splicing. Consensus agreement among computation tools predict no significant impact on normal splicing. However, these predictions have yet to be confirmed by functional studies. The variant allele was found at a frequency of 0.02 in 244812 control chromosomes, predominantly at a frequency of 0.026 within the Non-Finnish European subpopulation in the gnomAD database, including 51 homozygotes. The observed variant frequency within Non-Finnish European control individuals in the gnomAD database exceeds the estimated maximal expected allele frequency for disease-causing variants in PRKG2. To our knowledge, no occurrence of c.1545-11T>C in individuals affected with PRKG2-related conditions and no experimental evidence demonstrating its impact on protein function have been reported. No submitters have cited clinical-significance assessments for this variant to ClinVar. Based on the evidence outlined above, the variant was classified as benign.

Dr. Peter K. Rogan Lab, Western University
No classification provided (evidence only). Condition: Sarcoma. Review status: no classification provided. Collection method: in vitro. Allele origin: not applicable. Functional consequence: retained intron. Not counted in ClinVar's aggregate classification.

Dr. Peter K. Rogan Lab, Western University
No classification provided (evidence only). Condition: Sarcoma. Review status: no classification provided. Collection method: in vitro. Allele origin: not applicable. Functional consequence: retained intron. Not counted in ClinVar's aggregate classification.

Dr. Peter K. Rogan Lab, Western University
No classification provided (evidence only). Condition: Gastric cancer. Review status: no classification provided. Collection method: in vitro. Allele origin: not applicable. Functional consequence: retained intron. Not counted in ClinVar's aggregate classification.

Dr. Peter K. Rogan Lab, Western University
No classification provided (evidence only). Condition: Gastric cancer. Review status: no classification provided. Collection method: in vitro. Allele origin: not applicable. Functional consequence: retained intron. Not counted in ClinVar's aggregate classification.

Dr. Peter K. Rogan Lab, Western University
No classification provided (evidence only). Condition: Uveal melanoma. Review status: no classification provided. Collection method: in vitro. Allele origin: not applicable. Functional consequence: retained intron. Not counted in ClinVar's aggregate classification.

Dr. Peter K. Rogan Lab, Western University
No classification provided (evidence only). Condition: Chronic lymphocytic leukemia/small lymphocytic lymphoma. Review status: no classification provided. Collection method: in vitro. Allele origin: not applicable. Functional consequence: retained intron. Not counted in ClinVar's aggregate classification.

NM_006259.3(PRKG2):c.1545-11T>C

Gene: PRKG2 (protein kinase cGMP-dependent 2; minus strand). Cytogenetic location: 4q21.21.
Variant type: single nucleotide variant.
Coding change: c.1545-11T>C on transcript NM_006259.3 (MANE Select); 11 bases into the intron before coding-DNA position 1545, T replaced by C.
Molecular consequence: intron variant.
Genome position (GRCh38, 1-based): chr4:81,137,493, A>G on the plus strand (T>C on the coding strand, the complement: PRKG2 is on the minus strand). VCF-style: chr4-81137493-A-G. GRCh37 (hg19) VCF-style: chr4-82058647-A-G.
Other names: NC_000004.11:g.82058647A>G; c.198-11T>C (NM_001282482.1); c.105-11T>C (NM_001282483.1); c.285-11T>C (NM_001282481.1, NM_001282480.1); c.1458-11T>C (NM_001282485.2); c.1545-11T>C (NM_001363401.2).
Identifiers: ClinVar variation 4308246 (VCV004308246.2).
Genomic context (GRCh38, chr4:81,137,493, plus strand): 5'-CCTCCAGAAGCATGTATACATACTTATTGTCCTTGAAAGTACGATATAATCTGTGAAGAC[A>G]GATAAAAACATGGTTATTATTGGAAATCTAGTTTAAAAACCTTTTTAAAGTTGCTTAGAA-3'